The following is an entry in ClinVar:

NM_005045.4(RELN):c.5599A>C (p.Arg1867=)

Gene: RELN (reelin; minus strand). Cytogenetic location: 7q22.1.
Variant type: single nucleotide variant.
Coding change: c.5599A>C on transcript NM_005045.4 (MANE Select); coding-DNA position 5599, A replaced by C.
Protein change: p.Arg1867=; no amino-acid change (arginine 1867 retained).
Molecular consequence: synonymous variant.
Genome position (GRCh38, 1-based): chr7:103,557,980, T>G on the plus strand (A>C on the coding strand, the complement: RELN is on the minus strand). VCF-style: chr7-103557980-T-G. GRCh37 (hg19) VCF-style: chr7-103198427-T-G.
Other names: c.5599A>C, p.Arg1867= (NM_173054.3).
Identifiers: ClinVar variation 358394 (VCV000358394.19), dbSNP rs753376558, ClinGen allele CA4421163.
Genomic context (GRCh38, chr7:103,557,980, plus strand): 5'-ACAGGGGAGAATTCTCTTGAAGGAAAATAATAAATTCATACTTACTTTTTGCTATAAATC[T>G]AAGTGAAAACTGGACATACATTGTATTTGTACAATCTAGATCTCTTGAAATAAGCATCCT-3'
Protein context (NP_005036.2, residues 1857-1877): TNTMYVQFSL[Arg1867=]FIAKSTPERS

ClinVar aggregate classification (germline): Conflicting classifications of pathogenicity. Review status: criteria provided, conflicting classifications (1 of 4 stars). 4 submissions from 4 submitters: Uncertain significance (1); Likely benign (3). Last evaluated 2025-09-20.

Conditions:
Norman-Roberts syndrome (LIS2). Also called: Lissencephaly 2 (Norman-Roberts type). Identifiers: Orphanet 89844, MedGen C0796089, MONDO:0009760, OMIM 257320.
Familial temporal lobe epilepsy 7. Identifiers: Orphanet 101046, MedGen C4225327, MONDO:0014639, OMIM 616436.

Allele frequency attached by ClinVar (database versions not stated): gnomAD 0.00003 and 0.00004; ExAC 0.00004; gnomAD exomes 0.00004 and 0.00005; TOPMed 0.00006.
gnomAD v4.1: 68 of 1,383,768 alleles (0.0049%); highest among the groups gnomAD compares: Admixed American, 0.012%; no homozygotes.

Submissions (4):

Labcorp Genetics (formerly Invitae), Labcorp
Classification: Likely benign for Familial temporal lobe epilepsy 7; Norman-Roberts syndrome. Last evaluated: 2025-09-20. Review status: criteria provided, single submitter. Criteria: Invitae Variant Classification Sherloc (09022015). Collection method: clinical testing. Allele origin: germline.

Illumina Laboratory Services, Illumina
Classification: Uncertain significance for Norman-Roberts syndrome. Last evaluated: 2018-01-13. Review status: criteria provided, single submitter. Criteria: ICSL Variant Classification Criteria 13 December 2019. Collection method: clinical testing. Allele origin: germline.

GeneDx
Classification: Likely benign. Last evaluated: 2017-06-26. Review status: criteria provided, single submitter. Criteria: GeneDx Variant Classification (06012015). Collection method: clinical testing. Allele origin: germline. Affected: yes.
Comment: This variant is considered likely benign or benign based on one or more of the following criteria: it is a conservative change, it occurs at a poorly conserved position in the protein, it is predicted to be benign by multiple in silico algorithms, and/or has population frequency not consistent with disease.

Genetic Services Laboratory, University of Chicago
Classification: Likely benign. Last evaluated: 2016-12-01. Review status: criteria provided, single submitter. Criteria: ACMG Guidelines, 2015. Collection method: clinical testing. Allele origin: germline. Affected: no.